The following is an entry in ClinVar:

NM_001267550.2(TTN):c.3639GTATGAAAAAGA[1] (p.1214YEKE[1])

Gene: TTN (titin; minus strand). Cytogenetic location: 2q31.2.
Variant type: Microsatellite.
Coding change: c.3639GTATGAAAAAGA[1] on transcript NM_001267550.2 (MANE Select); one copy of the 12-base unit GTATGAAAAAGA starting at c.3639; the reference has two copies in a row; one copy, 12 bases deleted; also written c.3651_3662del.
Protein change: p.1214YEKE[1].
Molecular consequence: inframe deletion.
Genome position (GRCh38, 1-based): chr2:178,780,067-178,780,078, TCTTTTTCATAC deleted on the plus strand (GTATGAAAAAGA on the coding strand, the reverse complement: TTN is on the minus strand); deleting any 12 consecutive bases within chr2:178,780,067-178,780,092 gives the same sequence; the position shown is the placement nearest the transcript's 3' end. VCF-style (leftmost placement, unchanged base first): chr2-178780066-TTCTTTTTCATAC-T. GRCh37 (hg19) VCF-style: chr2-179644793-TTCTTTTTCATAC-T.
Other names: c.3651_3662delGTATGAAAAAGA (NM_001256850.1); c.3513_3524del12 (NM_003319.4); c.3651_3662del (NM_133378.4, NM_001267550.2); c.3639GTATGAAAAAGA[1], p.1214YEKE[1] (NM_001256850.1, NM_133378.4, NM_133379.5); c.3501GTATGAAAAAGA[1], p.1168YEKE[1] (NM_003319.4, NM_133432.3, NM_133437.4); c.3651_3662del12 (NM_001267550.2).
Identifiers: ClinVar variation 422902 (VCV000422902.19), dbSNP rs762637057, ClinGen allele CA2005510.

ClinVar aggregate classification (germline): Conflicting classifications of pathogenicity. Review status: criteria provided, conflicting classifications (1 of 4 stars). 7 submissions from 7 submitters: Uncertain significance (6); Likely benign (1). Last evaluated 2026-07-15.

Conditions:
TTN-related disorder. Also called: TTN-related disorders; TTN-related condition; TTN-related disease.
Cardiovascular phenotype. Identifiers: MedGen CN230736.

Submissions (7):

PreventionGenetics, part of Exact Sciences
Classification: Uncertain significance for TTN-related condition. Last evaluated: 2026-07-15. Review status: criteria provided, single submitter. Criteria: ACMG Guidelines, 2015. Collection method: clinical testing. Allele origin: germline.
Comment: The TTN c.3651_3662del12 variant is predicted to result in an in-frame deletion (p.Tyr1218_Glu1221del). To our knowledge, this variant has not been reported in the literature. This variant is reported in 0.0080% of alleles in individuals of African descent in gnomAD. Although we suspect that this variant may be benign, at this time, the clinical significance of this variant is uncertain due to the absence of conclusive functional and genetic evidence.

GeneDx
Classification: Uncertain significance. Last evaluated: 2026-01-27. Review status: criteria provided, single submitter. Criteria: GeneDx Variant Classification Process June 2021. Collection method: clinical testing. Allele origin: germline. Affected: yes.
Comment: In-frame deletion of 4 amino acid(s) with an unclear effect on protein function; Has not been previously published as pathogenic or benign to our knowledge; In silico analysis supports that this variant does not alter protein structure/function

Ambry Genetics
Classification: Uncertain significance for Cardiovascular phenotype. Last evaluated: 2025-12-15. Review status: criteria provided, single submitter. Criteria: Ambry Variant Classification Scheme 2023. Collection method: clinical testing. Allele origin: germline.
Comment: The c.3513_3524del12 variant (also known as p.Y1172_E1175del) is located in coding exon 20 of the TTN gene. This variant results from an in-frame GTATGAAAAAGA deletion at nucleotide positions 3513 to 3524. This results in the in-frame deletion of four amino acids at codon 1172 to 1175. Based on data from gnomAD, the this allele has an overall frequency of 0.002833% (8/282414) total alleles studied. The highest observed frequency was 0.008011% (2/24966) of African/African American alleles. This amino acid region is highly conserved in available vertebrate species. In addition, this alteration is predicted to be deleterious by in silico analysis (Choi Y et al. PLoS ONE. 2012; 7(10):e46688). Based on the available evidence, the clinical significance of this variant remains unclear.

Dasa
Classification: Uncertain significance. Last evaluated: 2025-10-30. Review status: criteria provided, single submitter. Criteria: DASA Assertion Criteria. Collection method: clinical testing. Allele origin: germline.
Comment: NM_001267550.2(TTN):c.3651_3662del (p.Tyr1218_Glu1221del) is an in-frame deletion predicted to remove amino acids from tyrosine at protein position 1218 through glutamic acid at protein position 1221 without shifting the reading frame. This variant is rare in population databases. The currently available literature and clinical evidence are not sufficient to establish a definitive association between this variant and the reported condition. Therefore, this variant is classified as a variant of uncertain significance.

Blueprint Genetics
Classification: Likely benign. Last evaluated: 2024-09-18. Review status: criteria provided, single submitter. Criteria: ACMG Guidelines, 2015. Collection method: clinical testing. Allele origin: germline.

Revvity Omics, Revvity
Classification: Uncertain significance. Last evaluated: 2022-06-02. Review status: criteria provided, single submitter. Criteria: ACMG Guidelines, 2015. Collection method: clinical testing. Allele origin: germline.

Eurofins Ntd Llc (ga)
Classification: Uncertain significance. Last evaluated: 2016-12-28. Review status: criteria provided, single submitter. Criteria: EGL Classification Definitions 2015. Collection method: clinical testing. Allele origin: germline. Observed: 1 variant allele, 1 heterozygote.